The following is an entry in ClinVar:

ClinVar aggregate classification (germline): Likely pathogenic (1 of 4 stars; one submission).

Conditions:
Autosomal recessive Alport syndrome (ATS2). Also called: COL4A3-Related Nephropathy; COL4A4 Alport Syndrome and Thin Basement Membrane Nephropathy; ALPORT SYNDROME 2, AUTOSOMAL RECESSIVE; Alport syndrome type 2. Identifiers: Orphanet 63, Orphanet 88919, MedGen C4746745, MONDO:0008762, OMIM 203780.

Submission:

Myriad Genetics, Inc.
Classification: Likely pathogenic for Autosomal recessive Alport syndrome. Last evaluated: 2022-02-20. Review status: criteria provided, single submitter. Criteria: Myriad Women's Health Autosomal Recessive and X-Linked Classification Criteria (2021). Collection method: clinical testing. Allele origin: unknown.
Comment: NM_000091.4(COL4A3):c.4100delG(G1367Efs*18) is expected to be pathogenic in the context of COL4A3-related Alport syndrome. This variant is predicted to lead to an abnormal or absent protein product due to the creation of a premature termination codon in COL4A3, a gene where loss-of-function variants are known to be pathogenic. Please note: this variant was assessed in the context of healthy population screening.

NM_000091.5(COL4A3):c.4100del (p.Gly1367fs)

Genes: MFF-DT (MFF divergent transcript; minus strand), COL4A3 (collagen type IV alpha 3 chain; plus strand). Cytogenetic location: 2q36.3.
Variant type: Deletion.
Coding change: c.4100del on transcript NM_000091.5 (MANE Select); coding-DNA position 4100, one base deleted (G; older notation c.4100delG).
Protein change: p.Gly1367fs; shifts the reading frame from glycine 1367.
Molecular consequence: frameshift variant.
Genome position (GRCh38, 1-based): chr2:227,304,091, G deleted; the last of 2 consecutive G bases (chr2:227,304,090-227,304,091); deleting either gives the same sequence. VCF-style (leftmost placement, unchanged base first): chr2-227304089-TG-T. GRCh37 (hg19) VCF-style: chr2-228168805-TG-T.
Other names: short protein forms G1367fs.
Identifiers: ClinVar variation 1724600 (VCV001724600.2), dbSNP rs2469910358, ClinGen allele CA2580066029.